The following is an entry in ClinVar:

ClinVar aggregate classification (germline): Uncertain significance (1 of 4 stars; one submission).

Submission:

GeneDx
Classification: Uncertain significance. Last evaluated: 2024-12-04. Review status: criteria provided, single submitter. Criteria: GeneDx Variant Classification Process June 2021. Collection method: clinical testing. Allele origin: germline. Affected: yes.
Comment: Not observed at significant frequency in large population cohorts (gnomAD); In silico analysis supports that this missense variant has a deleterious effect on protein structure/function; Has not been previously published as pathogenic or benign to our knowledge

NM_002074.5(GNB1):c.848G>A (p.Arg283His)

Gene: GNB1 (G protein subunit beta 1; minus strand). Cytogenetic location: 1p36.33.
Variant type: single nucleotide variant.
Coding change: c.848G>A on transcript NM_002074.5 (MANE Select); coding-DNA position 848, G replaced by A.
Protein change: p.Arg283His; replaces arginine 283 with histidine.
Molecular consequence: missense variant.
Genome position (GRCh38, 1-based): chr1:1,789,121, C>T on the plus strand (G>A on the coding strand, the complement: GNB1 is on the minus strand). VCF-style: chr1-1789121-C-T. GRCh37 (hg19) VCF-style: chr1-1720560-C-T.
Other names: c.548G>A, p.Arg183His (NM_001282538.2); c.848G>A, p.Arg283His (NM_001282539.2); short protein forms R183H, R283H.
Identifiers: ClinVar variation 3901322 (VCV003901322.1).